The following is an entry in ClinVar:

ClinVar aggregate classification (germline): Uncertain significance (1 of 4 stars; one submission).

Allele frequency attached by ClinVar (database versions not stated): gnomAD 0.00003 and 0.00005; TOPMed 0.00005; ESP Exome Variant Server 0.00015.
gnomAD v4.1: 12 of 1,595,870 alleles (0.00075%); highest among the groups gnomAD compares: African/African-American, 0.016%; no homozygotes.

Submission:

Labcorp Genetics (formerly Invitae), Labcorp
Classification: Uncertain significance. Last evaluated: 2022-02-09. Review status: criteria provided, single submitter. Criteria: Invitae Variant Classification Sherloc (09022015). Collection method: clinical testing. Allele origin: germline.
Comment: In summary, the available evidence is currently insufficient to determine the role of this variant in disease. Therefore, it has been classified as a Variant of Uncertain Significance. Algorithms developed to predict the effect of missense changes on protein structure and function are either unavailable or do not agree on the potential impact of this missense change (SIFT: "Not Available"; PolyPhen-2: "Benign"; Align-GVGD: "Not Available"). This variant has not been reported in the literature in individuals affected with SEC24D-related conditions. This variant is present in population databases (rs375063528, gnomAD 0.03%). This sequence change replaces alanine, which is neutral and non-polar, with threonine, which is neutral and polar, at codon 276 of the SEC24D protein (p.Ala276Thr).

NM_014822.4(SEC24D):c.826G>A (p.Ala276Thr)

Gene: SEC24D (SEC24 homolog D, COPII component; minus strand). Cytogenetic location: 4q26.
Variant type: single nucleotide variant.
Coding change: c.826G>A on transcript NM_014822.4 (MANE Select); coding-DNA position 826, G replaced by A.
Protein change: p.Ala276Thr; replaces alanine 276 with threonine.
Molecular consequence: missense variant.
Genome position (GRCh38, 1-based): chr4:118,805,930, C>T on the plus strand (G>A on the coding strand, the complement: SEC24D is on the minus strand). VCF-style: chr4-118805930-C-T. GRCh37 (hg19) VCF-style: chr4-119727085-C-T.
Other names: c.829G>A, p.Ala277Thr (NM_001318066.2); short protein forms A277T, A276T.
Identifiers: ClinVar variation 1492350 (VCV001492350.8), dbSNP rs375063528, ClinGen allele CA3057420.